The following is an entry in ClinVar:

NM_001376232.1(ZP2):c.2146G>A (p.Ala716Thr)

Gene: ZP2 (zona pellucida glycoprotein 2; minus strand). Cytogenetic location: 16p12.3.
Variant type: single nucleotide variant.
Coding change: c.2146G>A on transcript NM_001376232.1 (MANE Select); coding-DNA position 2146, G replaced by A.
Protein change: p.Ala716Thr; replaces alanine 716 with threonine.
Molecular consequence: missense variant. On other transcripts: non-coding transcript variant (1).
Genome position (GRCh38, 1-based): chr16:21,197,572, C>T on the plus strand (G>A on the coding strand, the complement: ZP2 is on the minus strand). VCF-style: chr16-21197572-C-T. GRCh37 (hg19) VCF-style: chr16-21208893-C-T.
Other names: c.2119G>A, p.Ala707Thr (NM_001376231.1); c.2179G>A, p.Ala727Thr (NM_001376233.1); c.2146G>A, p.Ala716Thr (NM_003460.2); short protein forms A707T, A716T, A727T.
Identifiers: ClinVar variation 3199219 (VCV003199219.5), dbSNP rs34159042, ClinGen allele CA7949500.

ClinVar aggregate classification (germline): Conflicting classifications of pathogenicity. Review status: criteria provided, conflicting classifications (1 of 4 stars). 2 submissions from 2 submitters: Uncertain significance (1); Likely benign (1). Last evaluated 2026-03-01.

Allele frequency attached by ClinVar (database versions not stated): 1000 Genomes Project 30x 0.00016; 1000 Genomes Project 0.00020; ExAC 0.00042; TOPMed 0.00043; ESP Exome Variant Server 0.00046; gnomAD 0.00051.
gnomAD v4.1: 1,413 of 1,614,214 alleles (0.088%); highest among the groups gnomAD compares: Non-Finnish European, 0.11%; no homozygotes.

Submissions (2):

CeGaT Center for Human Genetics Tuebingen
Classification: Uncertain significance. Last evaluated: 2026-03-01. Review status: criteria provided, single submitter. Criteria: CeGaT Center For Human Genetics Tuebingen Variant Classification Criteria Version 2. Collection method: clinical testing. Allele origin: germline. Affected: yes. Observed: 1 variant allele.
Comment: ZP2: PM2, BP4

Ambry Genetics
Classification: Likely benign. Last evaluated: 2021-08-25. Review status: criteria provided, single submitter. Criteria: Ambry Variant Classification Scheme 2023. Collection method: clinical testing. Allele origin: germline.